The following is an entry in ClinVar:

NM_032656.4(DHX37):c.3427A>G (p.Met1143Val)

Gene: DHX37 (DEAH-box helicase 37; minus strand). Cytogenetic location: 12q24.31.
Variant type: single nucleotide variant.
Coding change: c.3427A>G on transcript NM_032656.4 (MANE Select); coding-DNA position 3427, A replaced by G.
Protein change: p.Met1143Val; replaces methionine 1143 with valine.
Molecular consequence: missense variant.
Genome position (GRCh38, 1-based): chr12:124,947,849, T>C on the plus strand (A>G on the coding strand, the complement: DHX37 is on the minus strand). VCF-style: chr12-124947849-T-C. GRCh37 (hg19) VCF-style: chr12-125432395-T-C.
Other names: c.3427A>G (NM_032656.3); short protein forms M1143V.
Identifiers: ClinVar variation 2903286 (VCV002903286.4), dbSNP rs150801808, ClinGen allele CA6871194.

ClinVar aggregate classification (germline): Uncertain significance. Review status: criteria provided, multiple submitters, no conflicts (2 of 4 stars). 2 submissions from 2 submitters: Uncertain significance (2). Last evaluated 2025-08-12.

Conditions:
Inborn genetic diseases. Identifiers: MedGen C0950123, MeSH D030342.

Allele frequency attached by ClinVar (database versions not stated): ExAC 0.00001; gnomAD exomes 0.00002; gnomAD 0.00005; TOPMed 0.00005; 1000 Genomes Project 30x 0.00016; 1000 Genomes Project 0.00020.

Submissions (2):

Ambry Genetics
Classification: Uncertain significance for Inborn genetic diseases. Last evaluated: 2025-08-12. Review status: criteria provided, single submitter. Criteria: Ambry Variant Classification Scheme 2023. Collection method: clinical testing. Allele origin: germline.

Labcorp Genetics (formerly Invitae), Labcorp
Classification: Uncertain significance. Last evaluated: 2023-08-04. Review status: criteria provided, single submitter. Criteria: Invitae Variant Classification Sherloc (09022015). Collection method: clinical testing. Allele origin: germline.
Comment: In summary, the available evidence is currently insufficient to determine the role of this variant in disease. Therefore, it has been classified as a Variant of Uncertain Significance. Algorithms developed to predict the effect of missense changes on protein structure and function output the following: SIFT: "Not Available"; PolyPhen-2: "Benign"; Align-GVGD: "Not Available". The valine amino acid residue is found in multiple mammalian species, which suggests that this missense change does not adversely affect protein function. This variant has not been reported in the literature in individuals affected with DHX37-related conditions. This variant is present in population databases (rs150801808, gnomAD 0.01%). This sequence change replaces methionine, which is neutral and non-polar, with valine, which is neutral and non-polar, at codon 1143 of the DHX37 protein (p.Met1143Val).